The following is an entry in ClinVar:

ClinVar aggregate classification (germline): Likely benign. Review status: criteria provided, multiple submitters, no conflicts (2 of 4 stars). 3 submissions from 3 submitters: Likely benign (3). Last evaluated 2023-08-04.

Conditions:
Inborn genetic diseases. Identifiers: MedGen C0950123, MeSH D030342.
Charcot-Marie-Tooth disease type 4. Also called: Charcot-Marie-Tooth, Type 4; Charcot-Marie-Tooth disease, type IV. Identifiers: Orphanet 64749, MedGen C4082197, MONDO:0018995.

Allele frequency attached by ClinVar (database versions not stated): gnomAD exomes below 0.00001 and 0.00001; ExAC 0.00001; gnomAD 0.00001; TOPMed 0.00002; 1000 Genomes Project 0.00020; 1000 Genomes Project 30x 0.00031.
gnomAD v4.1: 18 of 1,614,226 alleles (0.0011%); highest among the groups gnomAD compares: Admixed American, 0.0033%; no homozygotes.

Submissions (3):

Labcorp Genetics (formerly Invitae), Labcorp
Classification: Likely benign for Charcot-Marie-Tooth disease type 4. Last evaluated: 2023-08-04. Review status: criteria provided, single submitter. Criteria: Invitae Variant Classification Sherloc (09022015). Collection method: clinical testing. Allele origin: germline.

Ambry Genetics
Classification: Likely benign for Inborn genetic diseases. Last evaluated: 2019-07-11. Review status: criteria provided, single submitter. Criteria: Ambry Variant Classification Scheme 2023. Collection method: clinical testing. Allele origin: germline.

GeneDx
Classification: Likely benign. Last evaluated: 2015-12-22. Review status: criteria provided, single submitter. Criteria: GeneDx Variant Classification (06012015). Collection method: clinical testing. Allele origin: germline. Affected: yes.
Comment: This variant is considered likely benign or benign based on one or more of the following criteria: it is a conservative change, it occurs at a poorly conserved position in the protein, it is predicted to be benign by multiple in silico algorithms, and/or has population frequency not consistent with disease.

NM_181882.3(PRX):c.2268G>A (p.Pro756=)

Gene: PRX (periaxin; minus strand). Cytogenetic location: 19q13.2.
Variant type: single nucleotide variant.
Coding change: c.2268G>A on transcript NM_181882.3 (MANE Select); coding-DNA position 2268, G replaced by A.
Protein change: p.Pro756=; no amino-acid change (proline 756 retained).
Molecular consequence: synonymous variant. On other transcripts: 3 prime UTR variant (1).
Genome position (GRCh38, 1-based): chr19:40,396,084, C>T on the plus strand (G>A on the coding strand, the complement: PRX is on the minus strand). VCF-style: chr19-40396084-C-T. GRCh37 (hg19) VCF-style: chr19-40901991-C-T.
Other names: c.*2473G>A (NM_020956.2).
Identifiers: ClinVar variation 381401 (VCV000381401.9), dbSNP rs570227186, ClinGen allele CA9444090.
Genomic context (GRCh38, chr19:40,396,084, plus strand): 5'-CAGCTTCACCTCTGGTGCCTTCGGAAGATGCACGTCGGGAACCTTCGGCACTTGCATTTC[C>T]GGCAGCCGAATCTCTGACACTTTCGGCAGCTGCACCTCGGGGAGGTGCACATCGGGCACA-3'
Protein context (NP_870998.2, residues 746-766): QLPKVSEIRL[Pro756=]EMQVPKVPDV